The following is an entry in ClinVar:

NM_005188.4(CBL):c.2694T>G (p.Ile898Met)

Gene: CBL (Cbl proto-oncogene; plus strand). Cytogenetic location: 11q23.3.
Variant type: single nucleotide variant.
Coding change: c.2694T>G on transcript NM_005188.4 (MANE Select); coding-DNA position 2694, T replaced by G.
Protein change: p.Ile898Met; replaces isoleucine 898 with methionine.
Molecular consequence: missense variant.
Genome position (GRCh38, 1-based): chr11:119,299,754, T>G. VCF-style: chr11-119299754-T-G. GRCh37 (hg19) VCF-style: chr11-119170464-T-G.
Other names: short protein forms I898M.
Identifiers: ClinVar variation 1719644 (VCV001719644.6), dbSNP rs1565273089, ClinGen allele CA382934281.

ClinVar aggregate classification (germline): Uncertain significance. Review status: criteria provided, multiple submitters, no conflicts (2 of 4 stars). 2 submissions from 2 submitters: Uncertain significance (2). Last evaluated 2024-10-22.

Conditions:
RASopathy. Also called: rasopathies; Noonan spectrum disorder. Identifiers: Orphanet 536391, MedGen C5555857, MONDO:0021060.

Submissions (2):

Blueprint Genetics
Classification: Uncertain significance. Last evaluated: 2024-10-22. Review status: criteria provided, single submitter. Criteria: ACMG Guidelines, 2015. Collection method: clinical testing. Allele origin: germline.

Labcorp Genetics (formerly Invitae), Labcorp
Classification: Uncertain significance for RASopathy. Last evaluated: 2022-09-17. Review status: criteria provided, single submitter. Criteria: Invitae Variant Classification Sherloc (09022015). Collection method: clinical testing. Allele origin: germline.
Comment: This sequence change replaces isoleucine, which is neutral and non-polar, with methionine, which is neutral and non-polar, at codon 898 of the CBL protein (p.Ile898Met). This variant is not present in population databases (gnomAD no frequency). This variant has not been reported in the literature in individuals affected with CBL-related conditions. Advanced modeling of protein sequence and biophysical properties (such as structural, functional, and spatial information, amino acid conservation, physicochemical variation, residue mobility, and thermodynamic stability) performed at Invitae indicates that this missense variant is not expected to disrupt CBL protein function. In summary, the available evidence is currently insufficient to determine the role of this variant in disease. Therefore, it has been classified as a Variant of Uncertain Significance.